The following is an entry in ClinVar:

ClinVar aggregate classification (germline): Likely benign. Review status: criteria provided, multiple submitters, no conflicts (2 of 4 stars). 4 submissions from 4 submitters: Likely benign (4). Last evaluated 2026-01-25.

Conditions:
Charcot-Marie-Tooth disease type 2B (CMT2B). Also called: CHARCOT-MARIE-TOOTH DISEASE, AXONAL, TYPE 2B; CHARCOT-MARIE-TOOTH DISEASE, AUTOSOMAL DOMINANT, TYPE 2B; HEREDITARY MOTOR AND SENSORY NEUROPATHY IIB; Charcot-Marie-Tooth Neuropathy Type 2B. Identifiers: Orphanet 99936, MedGen C1833219, MONDO:0010949, OMIM 600882.
Charcot-Marie-Tooth disease. Also called: Charcot-Marie-Tooth Neuropathy; Charcot-Marie-Tooth Hereditary Neuropathy. Identifiers: Orphanet 166, MedGen C0007959, MONDO:0015626.

Allele frequency attached by ClinVar (database versions not stated): gnomAD exomes 0.00002 and 0.00003; ExAC 0.00004; gnomAD 0.00006; TOPMed 0.00006.
gnomAD v4.1: 43 of 1,613,756 alleles (0.0027%); highest among the groups gnomAD compares: Admixed American, 0.005%; no homozygotes.

Submissions (4):

Labcorp Genetics (formerly Invitae), Labcorp
Classification: Likely benign for Charcot-Marie-Tooth disease type 2B. Last evaluated: 2026-01-25. Review status: criteria provided, single submitter. Criteria: Invitae Variant Classification Sherloc (09022015). Collection method: clinical testing. Allele origin: germline.

Athena Diagnostics
Classification: Likely benign. Last evaluated: 2020-03-26. Review status: criteria provided, single submitter. Criteria: Athena Diagnostics Criteria. Collection method: clinical testing. Allele origin: unknown.

GeneDx
Classification: Likely benign. Last evaluated: 2017-03-06. Review status: criteria provided, single submitter. Criteria: GeneDx Variant Classification (06012015). Collection method: clinical testing. Allele origin: germline. Affected: yes.
Comment: This variant is considered likely benign or benign based on one or more of the following criteria: it is a conservative change, it occurs at a poorly conserved position in the protein, it is predicted to be benign by multiple in silico algorithms, and/or has population frequency not consistent with disease.

Molecular Genetics Laboratory, London Health Sciences Centre
Classification: Likely benign for Charcot-Marie-Tooth disease. Review status: criteria provided, single submitter. Criteria: ACMG Guidelines, 2015. Collection method: clinical testing. Allele origin: germline. Affected: yes.

NM_004637.6(RAB7A):c.180+9A>G

Gene: RAB7A (RAB7A, member RAS oncogene family; plus strand). Cytogenetic location: 3q21.3.
Variant type: single nucleotide variant.
Coding change: c.180+9A>G on transcript NM_004637.6 (MANE Select); 9 bases into the intron after coding-DNA position 180, A replaced by G.
Molecular consequence: intron variant.
Genome position (GRCh38, 1-based): chr3:128,798,078, A>G. VCF-style: chr3-128798078-A-G. GRCh37 (hg19) VCF-style: chr3-128516921-A-G.
Identifiers: ClinVar variation 464093 (VCV000464093.10), dbSNP rs762831187, ClinGen allele CA2600788.